The following is an entry in ClinVar:

ClinVar aggregate classification (germline): Uncertain significance (1 of 4 stars; one submission).

Allele frequency attached by ClinVar (database versions not stated): gnomAD exomes below 0.00001; gnomAD 0.00001.

Submission:

Labcorp Genetics (formerly Invitae), Labcorp
Classification: Uncertain significance. Last evaluated: 2022-10-04. Review status: criteria provided, single submitter. Criteria: Invitae Variant Classification Sherloc (09022015). Collection method: clinical testing. Allele origin: germline.
Comment: This variant is not present in population databases (gnomAD no frequency). This variant has not been reported in the literature in individuals affected with TMEM126A-related conditions. ClinVar contains an entry for this variant (Variation ID: 1508126). Algorithms developed to predict the effect of missense changes on protein structure and function are either unavailable or do not agree on the potential impact of this missense change (SIFT: "Deleterious"; PolyPhen-2: "Benign"; Align-GVGD: "Class C0"). In summary, the available evidence is currently insufficient to determine the role of this variant in disease. Therefore, it has been classified as a Variant of Uncertain Significance. This sequence change replaces alanine, which is neutral and non-polar, with aspartic acid, which is acidic and polar, at codon 43 of the TMEM126A protein (p.Ala43Asp).

NM_032273.4(TMEM126A):c.128C>A (p.Ala43Asp)

Gene: TMEM126A (transmembrane protein 126A; plus strand). Cytogenetic location: 11q14.1.
Variant type: single nucleotide variant.
Coding change: c.128C>A on transcript NM_032273.4 (MANE Select); coding-DNA position 128, C replaced by A.
Protein change: p.Ala43Asp; replaces alanine 43 with aspartic acid.
Molecular consequence: missense variant. On other transcripts: 5 prime UTR variant (1).
Genome position (GRCh38, 1-based): chr11:85,654,104, C>A. VCF-style: chr11-85654104-C-A. GRCh37 (hg19) VCF-style: chr11-85365148-C-A.
Other names: c.-83C>A (NM_001244735.2); short protein forms A43D.
Identifiers: ClinVar variation 1508126 (VCV001508126.6), dbSNP rs909908851, ClinGen allele CA225302613.